The following is an entry in ClinVar:

NM_000326.5(RLBP1):c.303C>T (p.Arg101=)

Gene: RLBP1 (retinaldehyde binding protein 1; minus strand). Cytogenetic location: 15q26.1.
Variant type: single nucleotide variant.
Coding change: c.303C>T on transcript NM_000326.5 (MANE Select); coding-DNA position 303, C replaced by T.
Protein change: p.Arg101=; no amino-acid change (arginine 101 retained).
Molecular consequence: synonymous variant.
Genome position (GRCh38, 1-based): chr15:89,217,163, G>A on the plus strand (C>T on the coding strand, the complement: RLBP1 is on the minus strand). VCF-style: chr15-89217163-G-A. GRCh37 (hg19) VCF-style: chr15-89760394-G-A.
Identifiers: ClinVar variation 92847 (VCV000092847.46), dbSNP rs144254383, ClinGen allele CA220669.
Genomic context (GRCh38, chr15:89,217,163, plus strand): 5'-CCAAGCACTGGCCTCACCTCTGAGCAGCTCATAGGCACGGCCCACGTTGAACTTCCGTGC[G>A]CGGATGAAGCGCAGGAAGAAGCCGCTGTCCTTCTCTTGCACCCTCTCCGCCACGGCCACC-3'
Protein context (NP_000317.1, residues 91-111): KDSGFFLRFI[Arg101=]ARKFNVGRAY

ClinVar aggregate classification (germline): Conflicting classifications of pathogenicity. Review status: criteria provided, conflicting classifications (1 of 4 stars). 9 submissions from 7 submitters: Uncertain significance (4); Likely benign (4). 1 of the submissions does not count toward it. Last evaluated 2026-01-28.

Conditions:
RLBP1-related disorder. Also called: RLBP1-related disorders; RLBP1-related condition. Identifiers: MedGen CN239413.
Retinal dystrophy. Also called: Inherited retinal dystrophy. Identifiers: Orphanet 71862, MedGen C0854723, MeSH D058499, MONDO:0019118, HP:0000556.
Retinitis pigmentosa (RP). Identifiers: Orphanet 791, MedGen C0035334, MeSH D012174, MONDO:0019200, OMIM 268000. Inheritance: Autosomal dominant, autosomal recessive and X linked inheritance.
Pigmentary retinal dystrophy. Also called: Fundus albipunctatus. Identifiers: Orphanet 227796, Orphanet 52427, MedGen C0311338, MONDO:0007639, OMIM 136880, HP:0030642.
Newfoundland cone-rod dystrophy. Identifiers: MedGen C1843815, MONDO:0011839, OMIM 607476.

Allele frequency attached by ClinVar (database versions not stated): 1000 Genomes Project 30x 0.00016; 1000 Genomes Project 0.00020; ExAC 0.00056; gnomAD exomes 0.00061; TOPMed 0.00065; gnomAD 0.00079 and 0.00082; ESP Exome Variant Server 0.00115.
gnomAD v4.1: 1,910 of 1,614,076 alleles (0.12%); highest among the groups gnomAD compares: Non-Finnish European, 0.15%; no homozygotes.

Submissions (9):

Labcorp Genetics (formerly Invitae), Labcorp
Classification: Likely benign. Last evaluated: 2026-01-28. Review status: criteria provided, single submitter. Criteria: Invitae Variant Classification Sherloc (09022015). Collection method: clinical testing. Allele origin: germline.

PreventionGenetics, part of Exact Sciences
Classification: Likely benign for RLBP1-related condition. Last evaluated: 2026-01-27. Review status: criteria provided, single submitter. Criteria: ACMG Guidelines, 2015. Collection method: clinical testing. Allele origin: germline.
Comment: This variant is classified as likely benign based on ACMG/AMP sequence variant interpretation guidelines (Richards et al. 2015 PMID: 25741868, with internal and published modifications).

Blueprint Genetics
Classification: Likely benign. Last evaluated: 2024-11-14. Review status: criteria provided, single submitter. Criteria: ACMG Guidelines, 2015. Collection method: clinical testing. Allele origin: germline.

CeGaT Center for Human Genetics Tuebingen
Classification: Likely benign. Last evaluated: 2024-03-01. Review status: criteria provided, single submitter. Criteria: CeGaT Center For Human Genetics Tuebingen Variant Classification Criteria Version 2. Collection method: clinical testing. Allele origin: germline. Affected: yes. Observed: 2 variant alleles.
Comment: RLBP1: BP4, BP7

Illumina Laboratory Services, Illumina
Classification: Uncertain significance for Pigmentary retinal dystrophy. Last evaluated: 2018-01-12. Review status: criteria provided, single submitter. Criteria: ICSL Variant Classification Criteria 13 December 2019. Collection method: clinical testing. Allele origin: germline.

Illumina Laboratory Services, Illumina
Classification: Uncertain significance for Retinitis pigmentosa. Last evaluated: 2018-01-12. Review status: criteria provided, single submitter. Criteria: ICSL Variant Classification Criteria 13 December 2019. Collection method: clinical testing. Allele origin: germline.

Illumina Laboratory Services, Illumina
Classification: Uncertain significance for Newfoundland cone-rod dystrophy. Last evaluated: 2018-01-12. Review status: criteria provided, single submitter. Criteria: ICSL Variant Classification Criteria 13 December 2019. Collection method: clinical testing. Allele origin: germline.

Eurofins Ntd Llc (ga)
Classification: Uncertain significance. Last evaluated: 2013-08-20. Review status: criteria provided, single submitter. Criteria: EGL Classification Definitions 2015. Collection method: clinical testing. Allele origin: germline. Observed: 1 variant allele, 1 heterozygote.

Institute of Human Genetics, Univ. Regensburg, Univ. Regensburg
Classification: Uncertain significance for Retinal dystrophy. Last evaluated: 2023-01-01. Review status: no assertion criteria provided. Criteria: ACMG Guidelines, 2015. Collection method: clinical testing. Allele origin: germline. Affected: yes. Not counted in ClinVar's aggregate classification.